The following is an entry in ClinVar:

ClinVar aggregate classification (germline): Likely pathogenic (1 of 4 stars; one submission).

Submission:

GeneDx
Classification: Likely pathogenic. Last evaluated: 2023-02-08. Review status: criteria provided, single submitter. Criteria: GeneDx Variant Classification Process June 2021. Collection method: clinical testing. Allele origin: germline. Affected: yes.
Comment: Not observed at significant frequency in large population cohorts (gnomAD); In silico analysis supports that this missense variant has a deleterious effect on protein structure/function; This variant is associated with the following publications: (PMID: 28481730, 31678216, 31843706)

NM_002578.5(PAK3):c.880G>A (p.Val294Met)

Gene: PAK3 (p21 (RAC1) activated kinase 3; plus strand). Cytogenetic location: Xq23.
Variant type: single nucleotide variant.
Coding change: c.880G>A on transcript NM_002578.5 (MANE Select); coding-DNA position 880, G replaced by A.
Protein change: p.Val294Met; replaces valine 294 with methionine.
Molecular consequence: missense variant. On other transcripts: non-coding transcript variant (2).
Genome position (GRCh38, 1-based): chrX:111,192,506, G>A. VCF-style: chrX-111192506-G-A. GRCh37 (hg19) VCF-style: chrX-110435734-G-A.
Other names: c.943G>A, p.Val315Met (NM_001128172.2); c.925G>A, p.Val309Met (NM_001128173.3, NM_001324327.2, NM_001324328.2 and 2 more transcripts); c.880G>A, p.Val294Met (NM_001324325.2, NM_001324326.2, NM_001324330.2 and 5 more transcripts); c.988G>A, p.Val330Met (NM_001128168.3); short protein forms V294M, V309M, V315M, V330M.
Identifiers: ClinVar variation 2574914 (VCV002574914.1), dbSNP rs2524160037, ClinGen allele CA414237571.
Genomic context (GRCh38, chrX:111,192,506, plus strand): 5'-TGAATATTCATGTTTATTATAATGATTGTAATTCATTCTTGTATTTTAATTGCCATTCAG[G>A]TGGCCATAAAGCAGATGAACCTTCAACAGCAACCCAAGAAGGAATTAATTATTAATGAAA-3'
Protein context (NP_002569.1, residues 284-304): TALDIATGQE[Val294Met]AIKQMNLQQQ